The following is an entry in ClinVar:

ClinVar aggregate classification (germline): Conflicting classifications of pathogenicity. Review status: criteria provided, conflicting classifications (1 of 4 stars). 2 submissions from 2 submitters: Uncertain significance (1); Likely benign (1). Last evaluated 2025-12-19.

Conditions:
Primary ciliary dyskinesia. Also called: Ciliary dyskinesia. Identifiers: Orphanet 244, MedGen C0008780, MONDO:0016575, HP:0012265.

Allele frequency attached by ClinVar (database versions not stated): gnomAD exomes 0.00001 and 0.00004; gnomAD 0.00003; ExAC 0.00008; TOPMed 0.00014.
gnomAD v4.1: 22 of 1,612,674 alleles (0.0014%); highest among the groups gnomAD compares: East Asian, 0.049%; no homozygotes.

Submissions (2):

Labcorp Genetics (formerly Invitae), Labcorp
Classification: Likely benign for Primary ciliary dyskinesia. Last evaluated: 2025-12-19. Review status: criteria provided, single submitter. Criteria: Invitae Variant Classification Sherloc (09022015). Collection method: clinical testing. Allele origin: germline.

Women's Health and Genetics/Laboratory Corporation of America, LabCorp
Classification: Uncertain significance. Last evaluated: 2025-01-03. Review status: criteria provided, single submitter. Criteria: LabCorp Variant Classification Summary - May 2015. Collection method: clinical testing. Allele origin: germline.
Comment: Variant summary: DNAH11 c.1452T>G (p.Phe484Leu) results in a non-conservative amino acid change in the encoded protein sequence. Three of five in-silico tools predict a damaging effect of the variant on protein function. The variant allele was found at a frequency of 4.4e-05 in 247868 control chromosomes. This frequency is not significantly higher than estimated for a pathogenic variant in DNAH11 causing Primary Ciliary Dyskinesia 7, allowing no conclusion about variant significance. c.1452T>G has been reported in the literature in at-least one individual affected with Primary ciliary dyskinesia (example: Guan_2021). These report(s) do not provide unequivocal conclusions about association of the variant with Primary Ciliary Dyskinesia 7. To our knowledge, no experimental evidence demonstrating an impact on protein function has been reported. The following publication has been ascertained in the context of this evaluation (PMID: 33577779). ClinVar contains an entry for this variant (Variation ID: 838377). Based on the evidence outlined above, the variant was classified as uncertain significance.

Literature cited by the submitters: PubMed 33577779 (cited by Women's Health and Genetics/Laboratory Corporation of America, LabCorp).

NM_001277115.2(DNAH11):c.1452T>G (p.Phe484Leu)

Gene: DNAH11 (dynein axonemal heavy chain 11; plus strand). Cytogenetic location: 7p15.3.
Variant type: single nucleotide variant.
Coding change: c.1452T>G on transcript NM_001277115.2 (MANE Select); coding-DNA position 1452, T replaced by G.
Protein change: p.Phe484Leu; replaces phenylalanine 484 with leucine.
Molecular consequence: missense variant.
Genome position (GRCh38, 1-based): chr7:21,571,832, T>G. VCF-style: chr7-21571832-T-G. GRCh37 (hg19) VCF-style: chr7-21611450-T-G.
Other names: short protein forms F484L.
Identifiers: ClinVar variation 838377 (VCV000838377.8), dbSNP rs755256285, ClinGen allele CA4178991.